The following is an entry in ClinVar:

NM_000266.3(NDP):c.-348G>C

Gene: NDP (norrin cystine knot growth factor NDP; minus strand). Cytogenetic location: Xp11.3.
Variant type: single nucleotide variant.
Coding change: c.-348G>C on transcript NM_000266.3; 348 bases upstream of the start codon, G replaced by C.
Genome position (GRCh38, 1-based): chrX:43,973,444, C>G on the plus strand (G>C on the coding strand, the complement: NDP is on the minus strand). VCF-style: chrX-43973444-C-G. GRCh37 (hg19) VCF-style: chrX-43832690-C-G.
Identifiers: ClinVar variation 3048076 (VCV003048076.2), dbSNP rs1312190991, ClinGen allele CA875569079.
Genomic context (GRCh38, chrX:43,973,444, plus strand): 5'-TTCTTCTGTCCCTCTGTCACATGGCTTGCCTTTTATATTTGCAACACACAAAAGTTAGGA[C>G]TGTTGTTTAAGCGACACAGGGAGAGAGAGAGAGGGAGAGAGAGAGGGAGAGAGAGAGAGG-3'

ClinVar aggregate classification (germline): Likely benign (0 of 4 stars; one submission).

Conditions:
NDP-related disorder. Also called: NDP-related condition.

Allele frequency attached by ClinVar (database versions not stated): gnomAD 0.00001.

Submission:

PreventionGenetics, part of Exact Sciences
Classification: Likely benign for NDP-related condition. Last evaluated: 2019-12-30. Review status: no assertion criteria provided. Collection method: clinical testing. Allele origin: germline.
Comment: This variant is classified as likely benign based on ACMG/AMP sequence variant interpretation guidelines (Richards et al. 2015 PMID: 25741868, with internal and published modifications).